The following is an entry in ClinVar:

NM_005885.4(MARCHF6):c.2516C>T (p.Ala839Val)

Gene: MARCHF6 (membrane associated ring-CH-type finger 6; plus strand). Cytogenetic location: 5p15.2.
Variant type: single nucleotide variant.
Coding change: c.2516C>T on transcript NM_005885.4 (MANE Select); coding-DNA position 2516, C replaced by T.
Protein change: p.Ala839Val; replaces alanine 839 with valine.
Molecular consequence: missense variant.
Genome position (GRCh38, 1-based): chr5:10,429,902, C>T. VCF-style: chr5-10429902-C-T. GRCh37 (hg19) VCF-style: chr5-10430014-C-T.
Other names: c.2372C>T, p.Ala791Val (NM_001270660.2); c.2201C>T, p.Ala734Val (NM_001270661.2); c.2516C>T (NM_005885.2); short protein forms A734V, A791V, A839V.
Identifiers: ClinVar variation 1049047 (VCV001049047.2), dbSNP rs201277006, ClinGen allele CA3199511.
Genomic context (GRCh38, chr5:10,429,902, plus strand): 5'-TGTCACTGTTATTTCACATACACTGAAAGTTTTTCTTTTTTGGTTTTCTAGGTGTTACTG[C>T]GGAAATGCAAAACTTAGTCCATCGGCGGATTTATCCATTTTTACTGATGGTCGTGGTATT-3'
Protein context (NP_005876.2, residues 829-849): SGVVPLLGVT[Ala839Val]EMQNLVHRRI

ClinVar aggregate classification (germline): Uncertain significance. Review status: criteria provided, single submitter (1 of 4 stars). 2 submissions from 2 submitters: Uncertain significance (1). 1 of the submissions does not count toward it. Last evaluated 2025-08-21.

Allele frequency attached by ClinVar (database versions not stated): gnomAD 0.00001 and 0.00006; ExAC 0.00003; gnomAD exomes 0.00003 and 0.00005; TOPMed 0.00004; ESP Exome Variant Server 0.00008; 1000 Genomes Project 30x 0.00016; 1000 Genomes Project 0.00020.
gnomAD v4.1: 53 of 1,611,258 alleles (0.0033%); highest among the groups gnomAD compares: South Asian, 0.034%; 1 homozygote.

Submissions (2):

Ambry Genetics
Classification: Uncertain significance. Last evaluated: 2025-08-21. Review status: criteria provided, single submitter. Criteria: Ambry Variant Classification Scheme 2023. Collection method: clinical testing. Allele origin: germline.

Department of Pathology and Laboratory Medicine, Sinai Health System
Classification: Uncertain significance. Review status: no assertion criteria provided. Collection method: clinical testing. Allele origin: unknown. Affected: yes. Study: The Canadian Open Genetics Repository (COGR). Not counted in ClinVar's aggregate classification.
Comment: The MARCH6 p.A839V variant was not identified in the literature nor was it identified in ClinVar. The variant was identified in dbSNP (ID: rs201277006) and in control databases in 12 of 250908 chromosomes at a frequency of 0.00004783 (Genome Aggregation Database March 6, 2019, v2.1.1). The p.A839 residue is conserved in mammals however computational analyses (MUT Assesor, PolyPhen-2, SIFT, MutationTaster, Revel, FATHMM, MetaLR, DANN) do not suggest a high likelihood of impact to the protein; this information is not very predictive of pathogenicity. The variant occurs outside of the splicing consensus sequence and in silico or computational prediction software programs (Splice AI exome) do not predict a deleterious effect on splicing. In summary, based on the above information the clinical significance of this variant cannot be determined with certainty at this time. This variant is classified as a variant of uncertain significance.